The following is an entry in ClinVar:

ClinVar aggregate classification (germline): Benign. Review status: criteria provided, multiple submitters, no conflicts (2 of 4 stars). 3 submissions from 3 submitters: Benign (3). Last evaluated 2026-01-21.

Allele frequency attached by ClinVar (database versions not stated): gnomAD exomes 0.00062 and 0.00153; ExAC 0.00203; gnomAD 0.00524 and 0.00555; 1000 Genomes Project 0.00579; TOPMed 0.00583; 1000 Genomes Project 30x 0.00640; ESP Exome Variant Server 0.00661.
gnomAD v4.1: 1,735 of 1,603,556 alleles (0.11%); highest among the groups gnomAD compares: African/African-American, 1.8%; 13 homozygotes.

Submissions (3):

Labcorp Genetics (formerly Invitae), Labcorp
Classification: Benign. Last evaluated: 2026-01-21. Review status: criteria provided, single submitter. Criteria: Invitae Variant Classification Sherloc (09022015). Collection method: clinical testing. Allele origin: germline.

GeneDx
Classification: Benign. Last evaluated: 2011-07-18. Review status: criteria provided, single submitter. Criteria: GeneDx Variant Classification (06012015). Collection method: clinical testing. Allele origin: germline. Affected: yes.
Comment: This variant is considered likely benign or benign based on one or more of the following criteria: it is a conservative change, it occurs at a poorly conserved position in the protein, it is predicted to be benign by multiple in silico algorithms, and/or has population frequency not consistent with disease.

Breakthrough Genomics
Classification: Benign. Review status: criteria provided, single submitter. Criteria: ACMG Guidelines, 2015. Collection method: not provided. Allele origin: germline. Inheritance: Autosomal recessive inheritance. Affected: yes.

NM_000283.4(PDE6B):c.1467+18G>A

Gene: PDE6B (phosphodiesterase 6B; plus strand). Cytogenetic location: 4p16.3.
Variant type: single nucleotide variant.
Coding change: c.1467+18G>A on transcript NM_000283.4 (MANE Select); 18 bases into the intron after coding-DNA position 1467, G replaced by A.
Molecular consequence: intron variant.
Genome position (GRCh38, 1-based): chr4:659,035, G>A. VCF-style: chr4-659035-G-A. GRCh37 (hg19) VCF-style: chr4-652824-G-A.
Other names: c.1467+18G>A (NM_001145291.2); c.630+18G>A (NM_001379246.1, NM_001379247.1, NM_001145292.2 and 1 more transcripts); c.312+18G>A (NM_001350155.3).
Identifiers: ClinVar variation 138641 (VCV000138641.11), dbSNP rs140243735, ClinGen allele CA292716.
Genomic context (GRCh38, chr4:659,035, plus strand): 5'-GGAGCCTGCTGACTGCGATGAGGACGAGCTGGGCGAAATCCTGGTAAGAACCTTGCTCCC[G>A]TCCCTCCCATGGAGGCCGGCCACGTGTGAGGCTGGGAGGAAGAGTTCTGCATTCTCCGGG-3'